The following is an entry in ClinVar:

ClinVar aggregate classification (germline): Uncertain significance. Review status: criteria provided, multiple submitters, no conflicts (2 of 4 stars). 2 submissions from 2 submitters: Uncertain significance (2). Last evaluated 2024-04-27.

Allele frequency attached by ClinVar (database versions not stated): TOPMed below 0.00001; gnomAD 0.00001; gnomAD exomes 0.00001; ExAC 0.00002.

Submissions (2):

Ambry Genetics
Classification: Uncertain significance. Last evaluated: 2024-04-27. Review status: criteria provided, single submitter. Criteria: Ambry Variant Classification Scheme 2023. Collection method: clinical testing. Allele origin: germline.

Labcorp Genetics (formerly Invitae), Labcorp
Classification: Uncertain significance. Last evaluated: 2023-11-24. Review status: criteria provided, single submitter. Criteria: Invitae Variant Classification Sherloc (09022015). Collection method: clinical testing. Allele origin: germline.
Comment: This sequence change replaces alanine, which is neutral and non-polar, with valine, which is neutral and non-polar, at codon 276 of the LZTS1 protein (p.Ala276Val). This variant is present in population databases (rs750150008, gnomAD 0.002%). This variant has not been reported in the literature in individuals affected with LZTS1-related conditions. Advanced modeling of protein sequence and biophysical properties (such as structural, functional, and spatial information, amino acid conservation, physicochemical variation, residue mobility, and thermodynamic stability) performed at Invitae indicates that this missense variant is not expected to disrupt LZTS1 protein function with a negative predictive value of 80%. In summary, the available evidence is currently insufficient to determine the role of this variant in disease. Therefore, it has been classified as a Variant of Uncertain Significance.

NM_021020.5(LZTS1):c.827C>T (p.Ala276Val)

Gene: LZTS1 (leucine zipper tumor suppressor 1; minus strand). Cytogenetic location: 8p21.3.
Variant type: single nucleotide variant.
Coding change: c.827C>T on transcript NM_021020.5 (MANE Select); coding-DNA position 827, C replaced by T.
Protein change: p.Ala276Val; replaces alanine 276 with valine.
Molecular consequence: missense variant.
Genome position (GRCh38, 1-based): chr8:20,253,104, G>A on the plus strand (C>T on the coding strand, the complement: LZTS1 is on the minus strand). VCF-style: chr8-20253104-G-A. GRCh37 (hg19) VCF-style: chr8-20110615-G-A.
Other names: c.827C>T, p.Ala276Val (NM_001362884.2); c.827C>T (NM_021020.2); short protein forms A276V.
Identifiers: ClinVar variation 2901989 (VCV002901989.4), dbSNP rs750150008, ClinGen allele CA4657433.